The following is an entry in ClinVar:

NM_004859.4(CLTC):c.214A>G (p.Ile72Val)

Gene: CLTC (clathrin heavy chain; plus strand). Cytogenetic location: 17q23.1.
Variant type: single nucleotide variant.
Coding change: c.214A>G on transcript NM_004859.4 (MANE Select); coding-DNA position 214, A replaced by G.
Protein change: p.Ile72Val; replaces isoleucine 72 with valine.
Molecular consequence: missense variant.
Genome position (GRCh38, 1-based): chr17:59,644,447, A>G. VCF-style: chr17-59644447-A-G. GRCh37 (hg19) VCF-style: chr17-57721808-A-G.
Other names: c.214A>G, p.Ile72Val (NM_001288653.2); short protein forms I72V.
Identifiers: ClinVar variation 2990787 (VCV002990787.3), dbSNP rs778967128, ClinGen allele CA8680998.

ClinVar aggregate classification (germline): Uncertain significance (1 of 4 stars; one submission).

Allele frequency attached by ClinVar (database versions not stated): gnomAD exomes 0.00001; ExAC 0.00002.
gnomAD v4.1: 11 of 1,614,140 alleles (0.00068%); highest among the groups gnomAD compares: Middle Eastern, 0.066%; no homozygotes.

Submission:

Labcorp Genetics (formerly Invitae), Labcorp
Classification: Uncertain significance. Last evaluated: 2023-06-05. Review status: criteria provided, single submitter. Criteria: Invitae Variant Classification Sherloc (09022015). Collection method: clinical testing. Allele origin: germline.
Comment: In summary, the available evidence is currently insufficient to determine the role of this variant in disease. Therefore, it has been classified as a Variant of Uncertain Significance. Advanced modeling of protein sequence and biophysical properties (such as structural, functional, and spatial information, amino acid conservation, physicochemical variation, residue mobility, and thermodynamic stability) performed at Invitae indicates that this missense variant is not expected to disrupt CLTC protein function. This variant has not been reported in the literature in individuals affected with CLTC-related conditions. This variant is present in population databases (rs778967128, gnomAD 0.01%). This sequence change replaces isoleucine, which is neutral and non-polar, with valine, which is neutral and non-polar, at codon 72 of the CLTC protein (p.Ile72Val).